The following is an entry in ClinVar:

ClinVar aggregate classification (germline): Uncertain significance. Review status: criteria provided, multiple submitters, no conflicts (2 of 4 stars). 2 submissions from 2 submitters: Uncertain significance (2). Last evaluated 2024-07-23.

Allele frequency attached by ClinVar (database versions not stated): gnomAD exomes 0.00001; TOPMed 0.00001; ExAC 0.00002.
gnomAD v4.1: 18 of 1,613,646 alleles (0.0011%); highest among the groups gnomAD compares: Admixed American, 0.01%; no homozygotes.

Submissions (2):

Labcorp Genetics (formerly Invitae), Labcorp
Classification: Uncertain significance. Last evaluated: 2024-07-23. Review status: criteria provided, single submitter. Criteria: Invitae Variant Classification Sherloc (09022015). Collection method: clinical testing. Allele origin: germline.
Comment: This sequence change replaces threonine, which is neutral and polar, with methionine, which is neutral and non-polar, at codon 688 of the SUCO protein (p.Thr688Met). This variant is present in population databases (rs768916174, gnomAD 0.01%). This variant has not been reported in the literature in individuals affected with SUCO-related conditions. ClinVar contains an entry for this variant (Variation ID: 2300647). An algorithm developed to predict the effect of missense changes on protein structure and function (PolyPhen-2) suggests that this variant is likely to be tolerated. In summary, the available evidence is currently insufficient to determine the role of this variant in disease. Therefore, it has been classified as a Variant of Uncertain Significance.

Ambry Genetics
Classification: Uncertain significance. Last evaluated: 2022-07-12. Review status: criteria provided, single submitter. Criteria: Ambry Variant Classification Scheme 2023. Collection method: clinical testing. Allele origin: germline.

NM_014283.5(SUCO):c.2063C>T (p.Thr688Met)

Gene: SUCO (SUN domain containing ossification factor; plus strand). Cytogenetic location: 1q24.3.
Variant type: single nucleotide variant.
Coding change: c.2063C>T on transcript NM_014283.5 (MANE Select); coding-DNA position 2063, C replaced by T.
Protein change: p.Thr688Met; replaces threonine 688 with methionine.
Molecular consequence: missense variant. On other transcripts: intron variant (1).
Genome position (GRCh38, 1-based): chr1:172,589,164, C>T. VCF-style: chr1-172589164-C-T. GRCh37 (hg19) VCF-style: chr1-172558304-C-T.
Other names: c.374C>T, p.Thr125Met (NM_001282751.2); c.2516C>T, p.Thr839Met (NM_016227.4); c.1712+240C>T (NM_001282750.2); short protein forms T688M, T839M, T125M.
Identifiers: ClinVar variation 2300647 (VCV002300647.5), dbSNP rs768916174, ClinGen allele CA1247023.